The following is an entry in ClinVar:

NM_000051.4(ATM):c.5323T>G (p.Leu1775Val)

Gene: ATM (ATM serine/threonine kinase; plus strand). Cytogenetic location: 11q22.3.
Variant type: single nucleotide variant.
Coding change: c.5323T>G on transcript NM_000051.4 (MANE Select); coding-DNA position 5323, T replaced by G.
Protein change: p.Leu1775Val; replaces leucine 1775 with valine.
Molecular consequence: missense variant.
Genome position (GRCh38, 1-based): chr11:108,302,856, T>G. VCF-style: chr11-108302856-T-G. GRCh37 (hg19) VCF-style: chr11-108173583-T-G.
Other names: c.5323T>G, p.Leu1775Val (NM_001351834.2); short protein forms L1775V.
Identifiers: ClinVar variation 453573 (VCV000453573.24), dbSNP rs768820804, ClinGen allele CA228388283.

ClinVar aggregate classification (germline): Conflicting classifications of pathogenicity. Review status: criteria provided, conflicting classifications (1 of 4 stars). 6 submissions from 6 submitters: Uncertain significance (4); Benign (1). 1 of the submissions does not count toward it. Last evaluated 2025-11-09.

Conditions:
Hereditary cancer-predisposing syndrome. Also called: Tumor predisposition; Hereditary Cancer Syndrome; Neoplastic Syndromes, Hereditary; Hereditary neoplastic syndrome. Identifiers: Orphanet 140162, MedGen C0027672, MeSH D009386, MONDO:0015356.
Familial cancer of breast. Also called: Hereditary breast cancer; hereditary breast carcinoma; BREAST CANCER, FAMILIAL. Identifiers: Orphanet 227535, MedGen C0346153, MONDO:0016419, OMIM 114480. Disease mechanism: loss of function.
Ataxia-telangiectasia syndrome (AT). Also called: Cerebello-oculocutaneous telangiectasia; Immunodeficiency with ataxia telangiectasia; Ataxia-telangiectasia, complementation group D; AT, COMPLEMENTATION GROUP C; Ataxia-telangiectasia, complementation group E; LOUIS-BAR SYNDROME. Identifiers: Orphanet 100, MedGen C0004135, MONDO:0008840, OMIM 208900.

Allele frequency attached by ClinVar (database versions not stated): gnomAD 0.00001; TOPMed 0.00002; gnomAD exomes 0.00003.
gnomAD v4.1: 22 of 1,611,266 alleles (0.0014%); highest among the groups gnomAD compares: Non-Finnish European, 0.0018%; no homozygotes.

Submissions (6):

Labcorp Genetics (formerly Invitae), Labcorp
Classification: Uncertain significance for Ataxia-telangiectasia syndrome. Last evaluated: 2025-11-09. Review status: criteria provided, single submitter. Criteria: Invitae Variant Classification Sherloc (09022015). Collection method: clinical testing. Allele origin: germline.
Comment: This sequence change replaces leucine, which is neutral and non-polar, with valine, which is neutral and non-polar, at codon 1775 of the ATM protein (p.Leu1775Val). This variant is not present in population databases (gnomAD no frequency). This variant has not been reported in the literature in individuals affected with ATM-related conditions. ClinVar contains an entry for this variant (Variation ID: 453573). Invitae Evidence Modeling of protein sequence and biophysical properties (such as structural, functional, and spatial information, amino acid conservation, physicochemical variation, residue mobility, and thermodynamic stability) indicates that this missense variant is not expected to disrupt ATM protein function with a negative predictive value of 95%. In summary, the available evidence is currently insufficient to determine the role of this variant in disease. Therefore, it has been classified as a Variant of Uncertain Significance.

Ambry Genetics
Classification: Benign for Hereditary cancer-predisposing syndrome. Last evaluated: 2024-08-26. Review status: criteria provided, single submitter. Criteria: Ambry Variant Classification Scheme 2023. Collection method: clinical testing. Allele origin: germline.

Baylor Genetics
Classification: Uncertain significance for Familial cancer of breast. Last evaluated: 2024-02-06. Review status: criteria provided, single submitter. Criteria: ACMG Guidelines, 2015. Collection method: clinical testing. Allele origin: unknown.

GeneDx
Classification: Uncertain significance. Last evaluated: 2023-03-30. Review status: criteria provided, single submitter. Criteria: GeneDx Variant Classification Process June 2021. Collection method: clinical testing. Allele origin: germline. Affected: yes.
Comment: Not observed at significant frequency in large population cohorts (gnomAD); In silico analysis supports that this missense variant does not alter protein structure/function; Observed in individuals with breast cancer and absent in controls (Decker et al., 2017); This variant is associated with the following publications: (PMID: 24705254, 28779002)

Color Diagnostics, LLC DBA Color Health
Classification: Uncertain significance for Hereditary cancer-predisposing syndrome. Last evaluated: 2020-08-03. Review status: criteria provided, single submitter. Criteria: ACMG Guidelines, 2015. Collection method: clinical testing. Allele origin: germline.
Comment: This missense variant replaces leucine with valine at codon 1775 of the ATM protein. Computational prediction suggests that this variant may not impact protein structure and function (internally defined REVEL score threshold <= 0.5, PMID: 27666373). To our knowledge, functional studies have not been reported for this variant. This variant has been reported in two individuals affected with breast cancer (PMID: 28779002). This variant has not been identified in the general population by the Genome Aggregation Database (gnomAD). The available evidence is insufficient to determine the role of this variant in disease conclusively. Therefore, this variant is classified as a Variant of Uncertain Significance.

Natera, Inc.
Classification: Uncertain significance for Ataxia-telangiectasia. Last evaluated: 2020-07-20. Review status: no assertion criteria provided. Collection method: clinical testing. Allele origin: germline. Not counted in ClinVar's aggregate classification.

Literature cited by the submitters: PubMed 28779002 (cited by Ambry Genetics).